The following is an entry in ClinVar:

NM_001004466.2(OR10H5):c.597C>T (p.Gly199=)

Gene: OR10H5 (olfactory receptor family 10 subfamily H member 5; plus strand). Cytogenetic location: 19p13.12.
Variant type: single nucleotide variant.
Coding change: c.597C>T on transcript NM_001004466.2 (MANE Select); coding-DNA position 597, C replaced by T.
Protein change: p.Gly199=; no amino-acid change (glycine 199 retained).
Molecular consequence: synonymous variant.
Genome position (GRCh38, 1-based): chr19:15,794,645, C>T. VCF-style: chr19-15794645-C-T. GRCh37 (hg19) VCF-style: chr19-15905455-C-T.
Identifiers: ClinVar variation 2649500 (VCV002649500.24), dbSNP rs138032697, ClinGen allele CA9273153.

ClinVar aggregate classification (germline): Likely benign (1 of 4 stars; one submission).

Allele frequency attached by ClinVar (database versions not stated): gnomAD exomes 0.00027; ExAC 0.00032; gnomAD 0.00038; TOPMed 0.00046; ESP Exome Variant Server 0.00054.
gnomAD v4.1: 466 of 1,614,052 alleles (0.029%); highest among the groups gnomAD compares: Admixed American, 0.023%; 1 homozygote.

Submission:

CeGaT Center for Human Genetics Tuebingen
Classification: Likely benign. Last evaluated: 2022-12-01. Review status: criteria provided, single submitter. Criteria: CeGaT Center For Human Genetics Tuebingen Variant Classification Criteria Version 2. Collection method: clinical testing. Allele origin: germline. Affected: yes. Observed: 1 variant allele.
Comment: OR10H5: BP4, BP7